The following is an entry in ClinVar:

ClinVar aggregate classification (germline): Uncertain significance (1 of 4 stars; one submission).

Conditions:
Familial cold autoinflammatory syndrome 2 (FCAS2). Identifiers: Orphanet 247868, MedGen C2673198, MONDO:0012724, OMIM 611762.

gnomAD v4.1: 21 of 1,613,920 alleles (0.0013%); highest among the groups gnomAD compares: South Asian, 0.0099%; no homozygotes.

Submission:

Labcorp Genetics (formerly Invitae), Labcorp
Classification: Uncertain significance for Familial cold autoinflammatory syndrome 2. Last evaluated: 2025-03-05. Review status: criteria provided, single submitter. Criteria: Invitae Variant Classification Sherloc (09022015). Collection method: clinical testing. Allele origin: germline.
Comment: This sequence change replaces glutamic acid, which is acidic and polar, with lysine, which is basic and polar, at codon 792 of the NLRP12 protein (p.Glu792Lys). This variant is present in population databases (rs753391798, gnomAD 0.01%). This variant has not been reported in the literature in individuals affected with NLRP12-related conditions. Invitae Evidence Modeling of protein sequence and biophysical properties (such as structural, functional, and spatial information, amino acid conservation, physicochemical variation, residue mobility, and thermodynamic stability) indicates that this missense variant is not expected to disrupt NLRP12 protein function with a negative predictive value of 80%. In summary, the available evidence is currently insufficient to determine the role of this variant in disease. Therefore, it has been classified as a Variant of Uncertain Significance.

NM_144687.4(NLRP12):c.2374G>A (p.Glu792Lys)

Gene: NLRP12 (NLR family pyrin domain containing 12; minus strand). Cytogenetic location: 19q13.42.
Variant type: single nucleotide variant.
Coding change: c.2374G>A on transcript NM_144687.4 (MANE Select); coding-DNA position 2374, G replaced by A.
Protein change: p.Glu792Lys; replaces glutamic acid 792 with lysine.
Molecular consequence: missense variant.
Genome position (GRCh38, 1-based): chr19:53,805,320, C>T on the plus strand (G>A on the coding strand, the complement: NLRP12 is on the minus strand). VCF-style: chr19-53805320-C-T. GRCh37 (hg19) VCF-style: chr19-54308574-C-T.
Other names: c.2377G>A, p.Glu793Lys (NM_001277126.2); c.2374G>A, p.Glu792Lys (NM_001277129.1); short protein forms E793K, E792K.
Identifiers: ClinVar variation 4700094 (VCV004700094.1).